The following is an entry in ClinVar:

NM_017654.4(SAMD9):c.1762G>T (p.Asp588Tyr)

Gene: SAMD9 (sterile alpha motif domain containing 9; minus strand). Cytogenetic location: 7q21.2.
Variant type: single nucleotide variant.
Coding change: c.1762G>T on transcript NM_017654.4 (MANE Select); coding-DNA position 1762, G replaced by T.
Protein change: p.Asp588Tyr; replaces aspartic acid 588 with tyrosine.
Molecular consequence: missense variant.
Genome position (GRCh38, 1-based): chr7:93,104,336, C>A on the plus strand (G>T on the coding strand, the complement: SAMD9 is on the minus strand). VCF-style: chr7-93104336-C-A. GRCh37 (hg19) VCF-style: chr7-92733649-C-A.
Other names: c.1762G>T, p.Asp588Tyr (NM_001193307.2); short protein forms D588Y.
Identifiers: ClinVar variation 3369103 (VCV003369103.2).
Genomic context (GRCh38, chr7:93,104,336, plus strand): 5'-CAGAAATACATTGGCTTGAAATTTCATCTTGGTGTTTTATTAATCTTGCTTCAAGTAGAT[C>A]TTTCCATCCCTGAAATATGTGTGGGTGCACACAAATACACAGTATATTTTCCATTCCTTT-3'
Protein context (NP_060124.2, residues 578-598): VHPHIFQGWK[Asp588Tyr]LLEARLIKHQ

ClinVar aggregate classification (germline): Uncertain significance. Review status: criteria provided, multiple submitters, no conflicts (2 of 4 stars). 2 submissions from 2 submitters: Uncertain significance (2). Last evaluated 2024-12-02.

Conditions:
Inborn genetic diseases. Identifiers: MedGen C0950123, MeSH D030342.

gnomAD v4.1: 3 of 1,613,740 alleles (0.00019%); highest among the groups gnomAD compares: Non-Finnish European, 0.00025%; no homozygotes.

Submissions (2):

Ambry Genetics
Classification: Uncertain significance for Inborn genetic diseases. Last evaluated: 2024-12-02. Review status: criteria provided, single submitter. Criteria: Ambry Variant Classification Scheme 2023. Collection method: clinical testing. Allele origin: germline.
Comment: The p.D588Y variant (also known as c.1762G>T), located in coding exon 1 of the SAMD9 gene, results from a G to T substitution at nucleotide position 1762. The aspartic acid at codon 588 is replaced by tyrosine, an amino acid with highly dissimilar properties. This amino acid position is conserved. In addition, this alteration is predicted to be tolerated by in silico analysis. Based on the available evidence, the clinical significance of this variant remains unclear.

GeneDx
Classification: Uncertain significance. Last evaluated: 2024-02-09. Review status: criteria provided, single submitter. Criteria: GeneDx Variant Classification Process June 2021. Collection method: clinical testing. Allele origin: germline. Affected: yes.
Comment: Not observed at significant frequency in large population cohorts (gnomAD); In silico analysis supports that this missense variant has a deleterious effect on protein structure/function; Has not been previously published as pathogenic or benign to our knowledge; This variant is associated with the following publications: (PMID: 28545555)